The following is an entry in ClinVar:

NM_001205293.3(CACNA1E):c.3539C>T (p.Ser1180Leu)

Gene: CACNA1E (calcium voltage-gated channel subunit alpha1 E; plus strand). Cytogenetic location: 1q25.3.
Variant type: single nucleotide variant.
Coding change: c.3539C>T on transcript NM_001205293.3 (MANE Select); coding-DNA position 3539, C replaced by T.
Protein change: p.Ser1180Leu; replaces serine 1180 with leucine.
Molecular consequence: missense variant.
Genome position (GRCh38, 1-based): chr1:181,737,641, C>T. VCF-style: chr1-181737641-C-T. GRCh37 (hg19) VCF-style: chr1-181706777-C-T.
Other names: c.3539C>T (NM_001205293.1, NM_000721.3); c.3539C>T, p.Ser1180Leu (NM_000721.4); c.3482C>T, p.Ser1161Leu (NM_001205294.2); short protein forms S1161L, S1180L.
Identifiers: ClinVar variation 1519002 (VCV001519002.8), dbSNP rs202226007, ClinGen allele CA1275585.

ClinVar aggregate classification (germline): Benign/Likely benign. Review status: criteria provided, multiple submitters, no conflicts (2 of 4 stars). 3 submissions from 3 submitters: Benign (1); Likely benign (2). Last evaluated 2026-05-15.

Conditions:
CACNA1E-related disorder. Also called: CACNA1E-related condition.
Inborn genetic diseases. Identifiers: MedGen C0950123, MeSH D030342.

Allele frequency attached by ClinVar (database versions not stated): ExAC 0.00003; gnomAD exomes 0.00006; gnomAD 0.00011; TOPMed 0.00012.
gnomAD v4.1: 204 of 1,613,682 alleles (0.013%); highest among the groups gnomAD compares: Admixed American, 0.04%; no homozygotes.

Submissions (3):

PreventionGenetics, part of Exact Sciences
Classification: Likely benign for CACNA1E-related condition. Last evaluated: 2026-05-15. Review status: criteria provided, single submitter. Criteria: ACMG Guidelines, 2015. Collection method: clinical testing. Allele origin: germline.
Comment: This variant is classified as likely benign based on ACMG/AMP sequence variant interpretation guidelines (Richards et al. 2015 PMID: 25741868, with internal and published modifications).

Labcorp Genetics (formerly Invitae), Labcorp
Classification: Benign. Last evaluated: 2026-01-28. Review status: criteria provided, single submitter. Criteria: Invitae Variant Classification Sherloc (09022015). Collection method: clinical testing. Allele origin: germline.

Ambry Genetics
Classification: Likely benign for Inborn genetic diseases. Last evaluated: 2021-12-06. Review status: criteria provided, single submitter. Criteria: Ambry Variant Classification Scheme 2023. Collection method: clinical testing. Allele origin: germline.